The following is an entry in ClinVar:

ClinVar aggregate classification (germline): Pathogenic (1 of 4 stars; one submission).

Allele frequency attached by ClinVar (database versions not stated): gnomAD exomes 0.00002; ExAC 0.00003.

Submission:

Labcorp Genetics (formerly Invitae), Labcorp
Classification: Pathogenic. Last evaluated: 2022-05-20. Review status: criteria provided, single submitter. Criteria: Invitae Variant Classification Sherloc (09022015). Collection method: clinical testing. Allele origin: germline.
Comment: This sequence change creates a premature translational stop signal (p.Val1644Argfs*15) in the MPDZ gene. It is expected to result in an absent or disrupted protein product. Loss-of-function variants in MPDZ are known to be pathogenic (PMID: 23240096, 28556411). For these reasons, this variant has been classified as Pathogenic. This variant has not been reported in the literature in individuals affected with MPDZ-related conditions. This variant is present in population databases (rs766913143, gnomAD 0.009%).

Literature cited by the submitters: PubMed 23240096; PubMed 28556411.

NM_001378778.1(MPDZ):c.4929dup (p.Val1644fs)

Gene: MPDZ (multiple PDZ domain crumbs cell polarity complex component; minus strand). Cytogenetic location: 9p23.
Variant type: Duplication.
Coding change: c.4929dup on transcript NM_001378778.1 (MANE Select); coding-DNA position 4929, one base duplicated (C; older notation c.4929dupC).
Protein change: p.Val1644fs; shifts the reading frame from valine 1644.
Molecular consequence: frameshift variant.
Genome position (GRCh38, 1-based): chr9:13,123,177, G duplicated on the plus strand (C on the coding strand, the reverse complement: MPDZ is on the minus strand). VCF-style (leftmost placement, unchanged base first): chr9-13123176-C-CG. GRCh37 (hg19) VCF-style: chr9-13123175-C-CG.
Other names: c.4830dup, p.Val1611fs (NM_001261406.2, NM_001261407.2, NM_001375416.1 and 3 more transcripts); c.4929dup, p.Val1644fs (NM_001330637.2, NM_003829.5); c.5028dup, p.Val1677fs (NM_001375413.1); c.4719dup, p.Val1574fs (NM_001375420.1, NM_001375421.1, NM_001375422.1 and 4 more transcripts); c.4521dup, p.Val1508fs (NM_001375427.1); short protein forms V1677fs, V1644fs, V1574fs, V1611fs, V1508fs.
Identifiers: ClinVar variation 1917776 (VCV001917776.5), dbSNP rs766913143, ClinGen allele CA4986526.